The following is an entry in ClinVar:

NM_000141.5(FGFR2):c.2204T>C (p.Met735Thr)

Gene: FGFR2 (fibroblast growth factor receptor 2; minus strand). Cytogenetic location: 10q26.13.
Variant type: single nucleotide variant.
Coding change: c.2204T>C on transcript NM_000141.5 (MANE Select); coding-DNA position 2204, T replaced by C.
Protein change: p.Met735Thr; replaces methionine 735 with threonine.
Molecular consequence: missense variant. On other transcripts: non-coding transcript variant (1).
Genome position (GRCh38, 1-based): chr10:121,483,795, A>G on the plus strand (T>C on the coding strand, the complement: FGFR2 is on the minus strand). VCF-style: chr10-121483795-A-G. GRCh37 (hg19) VCF-style: chr10-123243309-A-G.
Other names: c.2207T>C, p.Met736Thr (NM_001144913.1, NM_022970.4); c.1868T>C, p.Met623Thr (NM_001144914.1); c.1937T>C, p.Met646Thr (NM_001144915.2, NM_023029.3); c.1859T>C, p.Met620Thr (NM_001144916.2, NM_001441090.1); c.1856T>C, p.Met619Thr (NM_001144917.2); c.1853T>C, p.Met618Thr (NM_001144918.2, NM_001441091.1); c.1940T>C, p.Met647Thr (NM_001144919.2); c.1520T>C, p.Met507Thr (NM_001320654.2); and 4 more; short protein forms M507T, M623T, M644T, M620T, M647T, M736T, M618T, M646T.
Identifiers: ClinVar variation 5007601 (VCV005007601.2).
Genomic context (GRCh38, chr10:121,483,795, plus strand): 5'-TCTACCAACTGCTTGAACGTTGGTCTCTGGGAGGGCACTGCATGCCAACAGTCCCTCATC[A>G]TCATGTACCTGGGAAAAATGGATTTCCTTGAATTAATTTCATATGCACTGGGTACGTGGT-3'
Protein context (NP_000132.3, residues 725-745): PANCTNELYM[Met735Thr]MRDCWHAVPS

ClinVar aggregate classification (germline): Uncertain significance (1 of 4 stars; one submission).

Conditions:
Saethre-Chotzen syndrome (SCS). Also called: ACROCEPHALY, SKULL ASYMMETRY, AND MILD SYNDACTYLY; ACS III; CHOTZEN SYNDROME. Identifiers: Orphanet 794, MedGen C0175699, MONDO:0007042, OMIM 101400.
LADD syndrome 1 (LADD1). Also called: Lacrimoauriculodentodigital syndrome 1. Identifiers: MedGen C5774323, MONDO:0100302, OMIM 149730.
Beare-Stevenson cutis gyrata syndrome (BSTVS). Identifiers: Orphanet 1555, MedGen C1852406, MONDO:0007412, OMIM 123790.
Crouzon syndrome. Also called: Craniofacial dysostosis; Craniofacial dysostosis type 1; Crouzon craniofacial dysostosis; Crouzon disease; CRANIOFACIAL DYSOSTOSIS, TYPE I. Identifiers: Orphanet 207, MedGen C0010273, MeSH D003394, MONDO:0007405, OMIM 123500, HP:0004439.
Acrocephalosyndactyly type I (ACS1). Also called: Acrocephalo-syndactyly type 1; ACS 1; Syndactylic oxycephaly; Apert syndrome. Identifiers: Orphanet 87, MedGen C0001193, MONDO:0007041, OMIM 101200.
Gastric cancer. Also called: Stomach cancer; Malignant tumor of stomach. Identifiers: MedGen C0024623, MeSH D013274, MONDO:0001056, OMIM 613659, HP:0012126.
Bent bone dysplasia syndrome 1 (BBDS1). Also called: FGFR2-related bent bone dysplasia. Identifiers: Orphanet 313855, MedGen C3281247, MONDO:0013815, OMIM 614592.
Familial scaphocephaly syndrome, McGillivray type. Also called: SCAPHOCEPHALY, MAXILLARY RETRUSION, AND IMPAIRED INTELLECTUAL DEVELOPMENT. Identifiers: Orphanet 168624, MedGen C1865070, MONDO:0012307, OMIM 609579.
Antley-Bixler syndrome without genital anomalies or disordered steroidogenesis (ABS2). Also called: MULTISYNOSTOTIC OSTEODYSGENESIS WITH LONG BONE FRACTURES; Trapezoidocephaly synostosis syndrome; Osteodysgenesis, multisynostotic with fractures; Antley-Bixler Syndrome, Autosomal Dominant. Identifiers: Orphanet 596008, Orphanet 83, MedGen C2936791, MONDO:0020667, OMIM 207410.
Pfeiffer syndrome (ACS5). Also called: ACS V. Identifiers: Orphanet 710, MedGen C0220658, MONDO:0007043, OMIM 101600.
Jackson-Weiss syndrome (JWS). Also called: CRANIOSYNOSTOSIS, MIDFACIAL HYPOPLASIA, AND FOOT ABNORMALITIES. Identifiers: Orphanet 1540, MedGen C0795998, MONDO:0007400, OMIM 123150. Disease mechanism: loss of function.

Submission:

Juno Genomics, Hangzhou Juno Genomics, Inc
Classification: Uncertain significance for LADD syndrome 1; Familial scaphocephaly syndrome, McGillivray type; Antley-Bixler syndrome without genital anomalies or disordered steroidogenesis; Acrocephalosyndactyly type I; Beare-Stevenson cutis gyrata syndrome; Bent bone dysplasia syndrome 1; Pfeiffer syndrome; Crouzon syndrome; Gastric cancer; Jackson-Weiss syndrome; Saethre-Chotzen syndrome. Review status: criteria provided, single submitter. Criteria: ACMG Guidelines, 2015. Collection method: clinical testing. Allele origin: germline.
Comment: Absent from controls (or at extremely low frequency if recessive) in Genome Aggregation Database.;Missense variant in a gene that has a low rate of benign missense variation.;Multiple lines of computational evidence support a deleterious effect on the gene or gene product.